The following is an entry in ClinVar:

ClinVar aggregate classification (germline): Uncertain significance (1 of 4 stars; one submission).

Conditions:
Cardiovascular phenotype. Identifiers: MedGen CN230736.

Allele frequency attached by ClinVar (database versions not stated): gnomAD 0.00001; TOPMed 0.00001.

Submission:

Ambry Genetics
Classification: Uncertain significance for Cardiovascular phenotype. Last evaluated: 2019-09-05. Review status: criteria provided, single submitter. Criteria: Ambry Variant Classification Scheme 2023. Collection method: clinical testing. Allele origin: germline.
Comment: The p.A12689P variant (also known as c.38065G>C), located in coding exon 138 of the TTN gene, results from a G to C substitution at nucleotide position 38065. The alanine at codon 12689 is replaced by proline, an amino acid with highly similar properties. This amino acid position is highly conserved in available vertebrate species. In addition, this alteration is predicted to be tolerated by in silico analysis. Since supporting evidence is limited at this time, the clinical significance of this alteration remains unclear.

NM_001267550.2(TTN):c.65260G>C (p.Ala21754Pro)

Genes: TTN (titin; minus strand), TTN-AS1 (TTN antisense RNA 1; plus strand). Cytogenetic location: 2q31.2.
Variant type: single nucleotide variant.
Coding change: c.65260G>C on transcript NM_001267550.2 (MANE Select); coding-DNA position 65260, G replaced by C.
Protein change: p.Ala21754Pro; replaces alanine 21754 with proline.
Molecular consequence: missense variant.
Genome position (GRCh38, 1-based): chr2:178,584,291, C>G on the plus strand (G>C on the coding strand, the complement: TTN is on the minus strand). VCF-style: chr2-178584291-C-G. GRCh37 (hg19) VCF-style: chr2-179449018-C-G.
Other names: c.60337G>C, p.Ala20113Pro (NM_001256850.1); c.38065G>C, p.Ala12689Pro (NM_003319.4); c.57556G>C, p.Ala19186Pro (NM_133378.4); c.38440G>C, p.Ala12814Pro (NM_133432.3); c.38641G>C, p.Ala12881Pro (NM_133437.4); short protein forms A12689P, A12881P, A19186P, A21754P, A12814P, A20113P.
Identifiers: ClinVar variation 1735106 (VCV001735106.2), dbSNP rs1463700856, ClinGen allele CA349434583.